The following is an entry in ClinVar:

ClinVar aggregate classification (germline): Uncertain significance (1 of 4 stars; one submission).

Submission:

GeneDx
Classification: Uncertain significance. Last evaluated: 2022-02-23. Review status: criteria provided, single submitter. Criteria: GeneDx Variant Classification Process June 2021. Collection method: clinical testing. Allele origin: germline. Affected: yes.
Comment: Not observed at significant frequency in large population cohorts (gnomAD); In silico analysis supports that this missense variant does not alter protein structure/function; Has not been previously published as pathogenic or benign to our knowledge

NM_001282531.3(ADNP):c.1247A>G (p.Gln416Arg)

Gene: ADNP (activity dependent neuroprotector homeobox; minus strand). Cytogenetic location: 20q13.13.
Variant type: single nucleotide variant.
Coding change: c.1247A>G on transcript NM_001282531.3 (MANE Select); coding-DNA position 1247, A replaced by G.
Protein change: p.Gln416Arg; replaces glutamine 416 with arginine.
Molecular consequence: missense variant.
Genome position (GRCh38, 1-based): chr20:50,893,467, T>C on the plus strand (A>G on the coding strand, the complement: ADNP is on the minus strand). VCF-style: chr20-50893467-T-C. GRCh37 (hg19) VCF-style: chr20-49510004-T-C.
Other names: c.1247A>G, p.Gln416Arg (NM_001282532.2, NM_001347511.2, NM_015339.5 and 1 more transcripts); short protein forms Q416R.
Identifiers: ClinVar variation 1703267 (VCV001703267.2), dbSNP rs2515586095, ClinGen allele CA408974031.